The following is an entry in ClinVar:

NM_001164665.2(KIAA1549):c.5765A>G (p.His1922Arg)

Gene: KIAA1549 (KIAA1549; minus strand). Cytogenetic location: 7q34.
Variant type: single nucleotide variant.
Coding change: c.5765A>G on transcript NM_001164665.2 (MANE Select); coding-DNA position 5765, A replaced by G.
Protein change: p.His1922Arg; replaces histidine 1922 with arginine.
Molecular consequence: missense variant.
Genome position (GRCh38, 1-based): chr7:138,837,994, T>C on the plus strand (A>G on the coding strand, the complement: KIAA1549 is on the minus strand). VCF-style: chr7-138837994-T-C. GRCh37 (hg19) VCF-style: chr7-138522739-T-C.
Other names: c.5717A>G, p.His1906Arg (NM_020910.3); short protein forms H1922R, H1906R.
Identifiers: ClinVar variation 1513642 (VCV001513642.6), dbSNP rs1809788517, ClinGen allele CA369383430.
Genomic context (GRCh38, chr7:138,837,994, plus strand): 5'-TGTTTCTGGGAGAGCCGGAGGAGCTCCTCGCGGATTGCTTTGATGAGAGAGGCCGAGGAG[T>C]GGCCAGGCTGGAGGTCTTCCGTGGAGCTGGTGGGGTAACCCAGCCCAGGGCCCTGCAGTC-3'
Protein context (NP_001158137.1, residues 1912-1932): TSSTEDLQPG[His1922Arg]SSASLIKAIR

ClinVar aggregate classification (germline): Uncertain significance (1 of 4 stars; one submission).

Submission:

Labcorp Genetics (formerly Invitae), Labcorp
Classification: Uncertain significance. Last evaluated: 2023-05-22. Review status: criteria provided, single submitter. Criteria: Invitae Variant Classification Sherloc (09022015). Collection method: clinical testing. Allele origin: germline.
Comment: In summary, the available evidence is currently insufficient to determine the role of this variant in disease. Therefore, it has been classified as a Variant of Uncertain Significance. An algorithm developed to predict the effect of missense changes on protein structure and function (PolyPhen-2) suggests that this variant is likely to be disruptive. ClinVar contains an entry for this variant (Variation ID: 1513642). This variant has not been reported in the literature in individuals affected with KIAA1549-related conditions. This variant is not present in population databases (gnomAD no frequency). This sequence change replaces histidine, which is basic and polar, with arginine, which is basic and polar, at codon 1922 of the KIAA1549 protein (p.His1922Arg).